The following is an entry in ClinVar:

ClinVar aggregate classification (germline): Uncertain significance. Review status: criteria provided, multiple submitters, no conflicts (2 of 4 stars). 2 submissions from 2 submitters: Uncertain significance (2). Last evaluated 2026-09-09.

Conditions:
Familial thoracic aortic aneurysm and aortic dissection (TAAD). Also called: Thoracic aortic aneurysms and dissections. Identifiers: Orphanet 91387, MedGen C4707243, MONDO:0019625.
Ehlers-Danlos syndrome, classic type, 1 (EDSCL1). Also called: EHLERS-DANLOS SYNDROME, GRAVIS TYPE; EHLERS-DANLOS SYNDROME, SEVERE CLASSIC TYPE; EDS I; Ehlers-Danlos syndrome, type 1; Ehlers-Danlos Syndrome, Classic Type, COL5A1-Related. Identifiers: MedGen C0268335, MONDO:0019567, OMIM 130000.

Submissions (2):

Ambry Genetics
Classification: Uncertain significance for Familial thoracic aortic aneurysm and aortic dissection. Last evaluated: 2026-09-09. Review status: criteria provided, single submitter. Criteria: Ambry Variant Classification Scheme 2023. Collection method: clinical testing. Allele origin: germline.

Labcorp Genetics (formerly Invitae), Labcorp
Classification: Uncertain significance for Ehlers-Danlos syndrome, classic type, 1. Last evaluated: 2025-11-12. Review status: criteria provided, single submitter. Criteria: Invitae Variant Classification Sherloc (09022015). Collection method: clinical testing. Allele origin: germline.
Comment: This sequence change replaces leucine, which is neutral and non-polar, with proline, which is neutral and non-polar, at codon 28 of the COL5A1 protein (p.Leu28Pro). This variant is not present in population databases (gnomAD no frequency). This variant has not been reported in the literature in individuals affected with COL5A1-related conditions. Invitae Evidence Modeling of protein sequence and biophysical properties (such as structural, functional, and spatial information, amino acid conservation, physicochemical variation, residue mobility, and thermodynamic stability) indicates that this missense variant is not expected to disrupt COL5A1 protein function with a negative predictive value of 95%. In summary, the available evidence is currently insufficient to determine the role of this variant in disease. Therefore, it has been classified as a Variant of Uncertain Significance.

NM_000093.5(COL5A1):c.83T>C (p.Leu28Pro)

Gene: COL5A1 (collagen type V alpha 1 chain; plus strand). Cytogenetic location: 9q34.3.
Variant type: single nucleotide variant.
Coding change: c.83T>C on transcript NM_000093.5 (MANE Select); coding-DNA position 83, T replaced by C.
Protein change: p.Leu28Pro; replaces leucine 28 with proline.
Molecular consequence: missense variant.
Genome position (GRCh38, 1-based): chr9:134,642,270, T>C. VCF-style: chr9-134642270-T-C. GRCh37 (hg19) VCF-style: chr9-137534116-T-C.
Other names: c.83T>C, p.Leu28Pro (NM_001278074.1); c.83T>C (NM_000093.3); short protein forms L28P.
Identifiers: ClinVar variation 4801873 (VCV004801873.2).